The following is an entry in ClinVar:

NM_000051.4(ATM):c.2147T>A (p.Val716Asp)

Gene: ATM (ATM serine/threonine kinase; plus strand). Cytogenetic location: 11q22.3.
Variant type: single nucleotide variant.
Coding change: c.2147T>A on transcript NM_000051.4 (MANE Select); coding-DNA position 2147, T replaced by A.
Protein change: p.Val716Asp; replaces valine 716 with aspartic acid.
Molecular consequence: missense variant.
Genome position (GRCh38, 1-based): chr11:108,256,237, T>A. VCF-style: chr11-108256237-T-A. GRCh37 (hg19) VCF-style: chr11-108126964-T-A.
Other names: c.2147T>A, p.Val716Asp (NM_001351834.2); short protein forms V716D.
Identifiers: ClinVar variation 265336 (VCV000265336.12), dbSNP rs864622294, ClinGen allele CA10588493.

ClinVar aggregate classification (germline): Conflicting classifications of pathogenicity. Review status: criteria provided, conflicting classifications (1 of 4 stars). 3 submissions from 3 submitters: Likely pathogenic (1); Uncertain significance (2). Last evaluated 2024-03-19.

Conditions:
Ataxia-telangiectasia syndrome (AT). Also called: LOUIS-BAR SYNDROME; ATAXIA-TELANGIECTASIA, COMPLEMENTATION GROUP A; ATAXIA-TELANGIECTASIA, FRESNO VARIANT; Ataxia-telangiectasia; Cerebello-oculocutaneous telangiectasia; Immunodeficiency with ataxia telangiectasia. Identifiers: Orphanet 100, MedGen C0004135, MONDO:0008840, OMIM 208900.
Hereditary cancer-predisposing syndrome. Also called: Tumor predisposition; Neoplastic Syndromes, Hereditary; Hereditary neoplastic syndrome; Hereditary Cancer Syndrome. Identifiers: Orphanet 140162, MedGen C0027672, MeSH D009386, MONDO:0015356.

Submissions (3):

Ambry Genetics
Classification: Uncertain significance for Hereditary cancer-predisposing syndrome. Last evaluated: 2024-03-19. Review status: criteria provided, single submitter. Criteria: Ambry Variant Classification Scheme 2023. Collection method: clinical testing. Allele origin: germline.
Comment: The p.V716D variant (also known as c.2147T>A), located in coding exon 13 of the ATM gene, results from a T to A substitution at nucleotide position 2147. The valine at codon 716 is replaced by aspartic acid, an amino acid with highly dissimilar properties. This amino acid position is well conserved in available vertebrate species. In addition, the in silico prediction for this alteration is inconclusive. Since supporting evidence is limited at this time, the clinical significance of this alteration remains unclear.

GeneDx
Classification: Likely pathogenic. Last evaluated: 2023-09-17. Review status: criteria provided, single submitter. Criteria: GeneDx Variant Classification Process June 2021. Collection method: clinical testing. Allele origin: germline. Affected: yes.
Comment: Not observed at significant frequency in large population cohorts (gnomAD); In silico analysis supports that this missense variant has a deleterious effect on protein structure/function; Has not been previously published as pathogenic or benign to our knowledge

Labcorp Genetics (formerly Invitae), Labcorp
Classification: Uncertain significance for Ataxia-telangiectasia syndrome. Last evaluated: 2022-07-17. Review status: criteria provided, single submitter. Criteria: Invitae Variant Classification Sherloc (09022015). Collection method: clinical testing. Allele origin: germline.
Comment: This sequence change replaces valine, which is neutral and non-polar, with aspartic acid, which is acidic and polar, at codon 716 of the ATM protein (p.Val716Asp). This variant is not present in population databases (gnomAD no frequency). This variant has not been reported in the literature in individuals affected with ATM-related conditions. ClinVar contains an entry for this variant (Variation ID: 265336). Advanced modeling of protein sequence and biophysical properties (such as structural, functional, and spatial information, amino acid conservation, physicochemical variation, residue mobility, and thermodynamic stability) performed at Invitae indicates that this missense variant is not expected to disrupt ATM protein function. In summary, the available evidence is currently insufficient to determine the role of this variant in disease. Therefore, it has been classified as a Variant of Uncertain Significance.